The following is an entry in ClinVar:

ClinVar aggregate classification (germline): Pathogenic (1 of 4 stars; one submission).

Conditions:
Amyotrophic lateral sclerosis type 12 (ALS12). Also called: AMYOTROPHIC LATERAL SCLEROSIS 12 WITH OR WITHOUT FRONTOTEMPORAL DEMENTIA. Identifiers: Orphanet 803, MedGen C3150692, MONDO:0013264, OMIM 613435.

Submission:

Juno Genomics, Hangzhou Juno Genomics, Inc
Classification: Pathogenic for Amyotrophic lateral sclerosis type 12. Review status: criteria provided, single submitter. Criteria: ACMG Guidelines, 2015. Collection method: clinical testing. Allele origin: germline. Affected: yes.
Comment: Absent from controls (or at extremely low frequency if recessive) in Genome Aggregation Database.;Null variant in a gene where loss of function (LOF) is a known mechanism of disease.;For recessive disorders, detected in trans with a pathogenic variant.

NM_001008212.2(OPTN):c.451C>T (p.Gln151Ter)

Gene: OPTN (optineurin; plus strand). Cytogenetic location: 10p13.
Variant type: single nucleotide variant.
Coding change: c.451C>T on transcript NM_001008212.2 (MANE Select); coding-DNA position 451, C replaced by T.
Protein change: p.Gln151Ter; replaces glutamine 151 with a stop codon.
Molecular consequence: nonsense.
Genome position (GRCh38, 1-based): chr10:13,112,534, C>T. VCF-style: chr10-13112534-C-T. GRCh37 (hg19) VCF-style: chr10-13154534-C-T.
Other names: c.451C>T, p.Gln151Ter (NM_001008211.1, NM_001008213.1, NM_021980.4); short protein forms Q151*.
Identifiers: ClinVar variation 5018960 (VCV005018960.1).